The following is an entry in ClinVar:

NM_138691.3(TMC1):c.1471A>T (p.Asn491Tyr)

Gene: TMC1 (transmembrane channel like 1; plus strand). Cytogenetic location: 9q21.13.
Variant type: single nucleotide variant.
Coding change: c.1471A>T on transcript NM_138691.3 (MANE Select); coding-DNA position 1471, A replaced by T.
Protein change: p.Asn491Tyr; replaces asparagine 491 with tyrosine.
Molecular consequence: missense variant.
Genome position (GRCh38, 1-based): chr9:72,792,257, A>T. VCF-style: chr9-72792257-A-T. GRCh37 (hg19) VCF-style: chr9-75407173-A-T.
Other names: short protein forms N491Y.
Identifiers: ClinVar variation 1306969 (VCV001306969.2), dbSNP rs887241990, ClinGen allele CA193301249.

ClinVar aggregate classification (germline): Uncertain significance (1 of 4 stars; one submission).

Allele frequency attached by ClinVar (database versions not stated): gnomAD exomes 0.00001; TOPMed 0.00002.
gnomAD v4.1: 3 of 1,614,050 alleles (0.00019%); highest among the groups gnomAD compares: African/African-American, 0.004%; no homozygotes.

Submission:

GeneDx
Classification: Uncertain significance. Last evaluated: 2019-07-12. Review status: criteria provided, single submitter. Criteria: GeneDx Variant Classification Process June 2021. Collection method: clinical testing. Allele origin: germline. Affected: yes.
Comment: In silico analysis, which includes protein predictors and evolutionary conservation, supports that this variant does not alter protein structure/function; Has not been previously published as pathogenic or benign to our knowledge